The following is an entry in ClinVar:

NM_000404.4(GLB1):c.1234-3C>A

Gene: GLB1 (galactosidase beta 1; minus strand). Cytogenetic location: 3p22.3.
Variant type: single nucleotide variant.
Coding change: c.1234-3C>A on transcript NM_000404.4 (MANE Select); 3 bases into the intron before coding-DNA position 1234, C replaced by A.
Molecular consequence: intron variant.
Genome position (GRCh38, 1-based): chr3:33,018,564, G>T on the plus strand (C>A on the coding strand, the complement: GLB1 is on the minus strand). VCF-style: chr3-33018564-G-T. GRCh37 (hg19) VCF-style: chr3-33060056-G-T.
Other names: c.1234-3C>A (NM_001393580.1); c.841-3C>A (NM_001135602.3); c.1378-3C>A (NM_001317040.2); c.1144-3C>A (NM_001079811.3).
Identifiers: ClinVar variation 2191325 (VCV002191325.2), dbSNP rs371910862, ClinGen allele CA2299447.
Genomic context (GRCh38, chr3:33,018,564, plus strand): 5'-GTGCTGGGTTGCTGCAATCTTGAGGAAGTGTTGTCCGGTACAGCACAAACCCATAATGCT[G>T]GTTAGAAAAGGATTTAAGAAAAATACATCACTATTGCCATTCATTTAGAGAACTTGGTTA-3'

ClinVar aggregate classification (germline): Uncertain significance (1 of 4 stars; one submission).

Conditions:
Mucopolysaccharidosis, MPS-IV-B (MPS4B). Also called: Mucopolysaccharidosis type IV B; Mucopolysaccharidosis Type IVB; Mucopolysaccharidosis type IVB (Morquio); MPS IVB; MORQUIO SYNDROME B; Mucopolysaccharidosis Type IVB (Morquio B Disease). Identifiers: Orphanet 309310, Orphanet 582, MedGen C0086652, MONDO:0009660, OMIM 253010.
GM1 gangliosidosis. Identifiers: Orphanet 354, MedGen C0085131, MONDO:0018149.

Allele frequency attached by ClinVar (database versions not stated): ExAC 0.00008; TOPMed 0.00023; ESP Exome Variant Server 0.00025; 1000 Genomes Project 30x 0.00031; gnomAD 0.00033; 1000 Genomes Project 0.00040.

Submissions (2):

Labcorp Genetics (formerly Invitae), Labcorp
Classification: Uncertain significance for Mucopolysaccharidosis, MPS-IV-B; GM1 gangliosidosis. Last evaluated: 2022-06-29. Review status: criteria provided, single submitter. Criteria: Invitae Variant Classification Sherloc (09022015). Collection method: clinical testing. Allele origin: germline.
Comment: This sequence change falls in intron 12 of the GLB1 gene. It does not directly change the encoded amino acid sequence of the GLB1 protein. It affects a nucleotide within the consensus splice site. This variant is present in population databases (rs371910862, gnomAD 0.1%). This variant has not been reported in the literature in individuals affected with GLB1-related conditions. Variants that disrupt the consensus splice site are a relatively common cause of aberrant splicing (PMID: 17576681, 9536098). Algorithms developed to predict the effect of sequence changes on RNA splicing suggest that this variant is not likely to affect RNA splicing. In summary, the available evidence is currently insufficient to determine the role of this variant in disease. Therefore, it has been classified as a Variant of Uncertain Significance.

Dr. Peter K. Rogan Lab, Western University
No classification provided (evidence only). Condition: Uterine carcinosarcoma. Review status: no classification provided. Collection method: in vitro. Allele origin: not applicable. Functional consequence: retained intron. Not counted in ClinVar's aggregate classification.

Literature cited by the submitters: PubMed 17576681 (cited by Labcorp Genetics (formerly Invitae), Labcorp); PubMed 9536098 (cited by Labcorp Genetics (formerly Invitae), Labcorp).